The following is an entry in ClinVar:

ClinVar aggregate classification (germline): Uncertain significance (1 of 4 stars; one submission).

Submission:

Labcorp Genetics (formerly Invitae), Labcorp
Classification: Uncertain significance. Last evaluated: 2024-12-03. Review status: criteria provided, single submitter. Criteria: Invitae Variant Classification Sherloc (09022015). Collection method: clinical testing. Allele origin: germline.
Comment: This sequence change affects the initiator methionine of the GPR45 mRNA. The next in-frame methionine is located at codon 41. This variant is present in population databases (rs777823373, gnomAD 0.007%). This variant has not been reported in the literature in individuals affected with GPR45-related conditions. Experimental studies and prediction algorithms are not available or were not evaluated, and the functional significance of this variant is currently unknown. In summary, the available evidence is currently insufficient to determine the role of this variant in disease. Therefore, it has been classified as a Variant of Uncertain Significance.

NM_007227.3(GPR45):c.3G>A (p.Met1Ile)

Gene: GPR45 (G protein-coupled receptor 45; plus strand). Cytogenetic location: 2q12.1.
Variant type: single nucleotide variant.
Coding change: c.3G>A on transcript NM_007227.3 (MANE Select); coding-DNA position 3, G replaced by A.
Protein change: p.Met1Ile; changes the start codon (methionine 1).
Molecular consequence: missense variant, initiator codon variant.
Genome position (GRCh38, 1-based): chr2:105,241,861, G>A. VCF-style: chr2-105241861-G-A. GRCh37 (hg19) VCF-style: chr2-105858318-G-A.
Other names: short protein forms M1I.
Identifiers: ClinVar variation 3616830 (VCV003616830.2).
Genomic context (GRCh38, chr2:105,241,861, plus strand): 5'-AAGTGCTGAGGGGAGCCCTCCCGGCCATTTCTGTCCCAGCTCCAAGGGTCTCTCCACGAT[G>A]GCCTGCAACAGCACGTCCCTTGAGGCTTACACATACCTGCTGCTGAACACCAGCAACGCC-3'
Protein context (NP_009158.3, residues 1-11): [Met1Ile]ACNSTSLEAY